The following is an entry in ClinVar:

NM_176869.3(PPA2):c.110C>T (p.Thr37Ile)

Gene: PPA2 (inorganic pyrophosphatase 2; minus strand). Cytogenetic location: 4q24.
Variant type: single nucleotide variant.
Coding change: c.110C>T on transcript NM_176869.3 (MANE Select); coding-DNA position 110, C replaced by T.
Protein change: p.Thr37Ile; replaces threonine 37 with isoleucine.
Molecular consequence: missense variant.
Genome position (GRCh38, 1-based): chr4:105,473,941, G>A on the plus strand (C>T on the coding strand, the complement: PPA2 is on the minus strand). VCF-style: chr4-105473941-G-A. GRCh37 (hg19) VCF-style: chr4-106395098-G-A.
Other names: c.110C>T, p.Thr37Ile (NM_006903.4, NM_176866.2, NM_176867.3); short protein forms T37I.
Identifiers: ClinVar variation 2156561 (VCV002156561.2), dbSNP rs763040737, ClinGen allele CA3032847.

ClinVar aggregate classification (germline): Uncertain significance (1 of 4 stars; one submission).

Allele frequency attached by ClinVar (database versions not stated): gnomAD 0.00001; ExAC 0.00004.
gnomAD v4.1: 45 of 1,612,318 alleles (0.0028%); highest among the groups gnomAD compares: South Asian, 0.041%; 1 homozygote.

Submission:

Labcorp Genetics (formerly Invitae), Labcorp
Classification: Uncertain significance. Last evaluated: 2022-01-28. Review status: criteria provided, single submitter. Criteria: Invitae Variant Classification Sherloc (09022015). Collection method: clinical testing. Allele origin: germline.
Comment: In summary, the available evidence is currently insufficient to determine the role of this variant in disease. Therefore, it has been classified as a Variant of Uncertain Significance. Algorithms developed to predict the effect of missense changes on protein structure and function (SIFT, PolyPhen-2, Align-GVGD) all suggest that this variant is likely to be tolerated. This variant has not been reported in the literature in individuals affected with PPA2-related conditions. This variant is present in population databases (rs763040737, gnomAD 0.05%). This sequence change replaces threonine, which is neutral and polar, with isoleucine, which is neutral and non-polar, at codon 37 of the PPA2 protein (p.Thr37Ile).